The following is an entry in ClinVar:

ClinVar aggregate classification (germline): Pathogenic/Likely pathogenic. Review status: criteria provided, multiple submitters, no conflicts (2 of 4 stars). 2 submissions from 2 submitters: Pathogenic (1); Likely pathogenic (1). Last evaluated 2018-09-01.

Conditions:
Isolated thoracic aortic aneurysm.
Familial thoracic aortic aneurysm and aortic dissection (TAAD). Also called: Thoracic aortic aneurysms and dissections. Identifiers: Orphanet 91387, MedGen C4707243, MONDO:0019625.
Marfan syndrome (MFS). Also called: FBN1-Related Marfan Syndrome; Marfan syndrome type 1; Marfan's syndrome; Marfan syndrome, classic; MARFAN SYNDROME, TYPE I. Identifiers: Orphanet 284963, Orphanet 558, MedGen C0024796, MONDO:0007947, OMIM 154700.

Submissions (2):

Department of Vascular Biology, Beijing Anzhen Hospital
Classification: Likely pathogenic for Isolated thoracic aortic aneurysm. Last evaluated: 2018-09-01. Review status: criteria provided, single submitter. Criteria: ACMG Guidelines, 2015. Collection method: research. Allele origin: germline. Affected: yes.

Labcorp Genetics (formerly Invitae), Labcorp
Classification: Pathogenic for Marfan syndrome; Familial thoracic aortic aneurysm and aortic dissection. Last evaluated: 2018-04-26. Review status: criteria provided, single submitter. Criteria: Invitae Variant Classification Sherloc (09022015). Collection method: clinical testing. Allele origin: germline.
Comment: This variant has been observed to segregate with a FBN1-related disease in a family (Invitae). This variant is not present in population databases (ExAC no frequency). This sequence change replaces cysteine with arginine at codon 1450 of the FBN1 protein (p.Cys1450Arg). The cysteine residue is highly conserved and there is a large physicochemical difference between cysteine and arginine. This variant affects a cysteine residue located within an epidermal-growth-factor (EGF)–like domain of the FBN1 protein. Cysteine residues in these domains have been shown to be involved in the formation of disulfide bridges, which are critical for FBN1 protein structure and stability (PMID: 10486319, 3495735, 4750422, 16677079). In addition, missense substitutions within the FBN1 EGF-like domains affecting cysteine residues are significantly overrepresented among patients with Marfan syndrome (PMID: 16571647, 17701892). For these reasons, this variant has been classified as Pathogenic. Other missense substitutions at this codon (p.Arg1450Gly and p.Arg1450Tyr) have been reported in individuals affected with Marfan syndrome (PMID: 17663468, 19159394, 24161884).

Literature cited by the submitters: PubMed 10486319 (cited by Labcorp Genetics (formerly Invitae), Labcorp); PubMed 3495735 (cited by Labcorp Genetics (formerly Invitae), Labcorp); PubMed 4750422 (cited by Labcorp Genetics (formerly Invitae), Labcorp); PubMed 16677079 (cited by Labcorp Genetics (formerly Invitae), Labcorp); PubMed 16571647 (cited by Labcorp Genetics (formerly Invitae), Labcorp); PubMed 17701892 (cited by Labcorp Genetics (formerly Invitae), Labcorp); PubMed 17663468 (cited by Labcorp Genetics (formerly Invitae), Labcorp); PubMed 19159394 (cited by Labcorp Genetics (formerly Invitae), Labcorp); PubMed 24161884 (cited by Labcorp Genetics (formerly Invitae), Labcorp).

NM_000138.5(FBN1):c.4348T>C (p.Cys1450Arg)

Gene: FBN1 (fibrillin 1; minus strand). Cytogenetic location: 15q21.1.
Variant type: single nucleotide variant.
Coding change: c.4348T>C on transcript NM_000138.5 (MANE Select); coding-DNA position 4348, T replaced by C.
Protein change: p.Cys1450Arg; replaces cysteine 1450 with arginine.
Molecular consequence: missense variant.
Genome position (GRCh38, 1-based): chr15:48,470,745, A>G on the plus strand (T>C on the coding strand, the complement: FBN1 is on the minus strand). VCF-style: chr15-48470745-A-G. GRCh37 (hg19) VCF-style: chr15-48762942-A-G.
Other names: short protein forms C1450R.
Identifiers: ClinVar variation 576549 (VCV000576549.11), dbSNP rs1555397421, ClinGen allele CA392354794.